The following is an entry in ClinVar:

NM_000215.4(JAK3):c.835A>T (p.Ile279Phe)

Gene: JAK3 (Janus kinase 3; minus strand). Cytogenetic location: 19p13.11.
Variant type: single nucleotide variant.
Coding change: c.835A>T on transcript NM_000215.4 (MANE Select); coding-DNA position 835, A replaced by T.
Protein change: p.Ile279Phe; replaces isoleucine 279 with phenylalanine.
Molecular consequence: missense variant.
Genome position (GRCh38, 1-based): chr19:17,842,342, T>A on the plus strand (A>T on the coding strand, the complement: JAK3 is on the minus strand). VCF-style: chr19-17842342-T-A. GRCh37 (hg19) VCF-style: chr19-17953151-T-A.
Other names: short protein forms I279F.
Identifiers: ClinVar variation 3389945 (VCV003389945.15).

ClinVar aggregate classification (germline): Uncertain significance. Review status: criteria provided, multiple submitters, no conflicts (2 of 4 stars). 2 submissions from 2 submitters: Uncertain significance (2). Last evaluated 2025-10-10.

Conditions:
T-B+ severe combined immunodeficiency due to JAK3 deficiency. Also called: SCID, T CELL-NEGATIVE, B CELL-POSITIVE, NK CELL-NEGATIVE; SCID, autosomal recessive, T-negative/B-positive type. Identifiers: Orphanet 35078, MedGen C1833275, MONDO:0010938, OMIM 600802.

Submissions (2):

MVZ Martinsried, Medicover Genetics
Classification: Uncertain significance for T-B+ severe combined immunodeficiency due to JAK3 deficiency. Last evaluated: 2025-10-10. Review status: criteria provided, single submitter. Criteria: ClinGen Variant Curation SOP V3.2 + Classification Guidance July2025. Collection method: clinical testing. Allele origin: inherited. Observed: 1 homozygote.
Comment: PM2_Supporting, PM3_Supporting, PP1

CeGaT Center for Human Genetics Tuebingen
Classification: Uncertain significance. Last evaluated: 2024-10-01. Review status: criteria provided, single submitter. Criteria: CeGaT Center For Human Genetics Tuebingen Variant Classification Criteria Version 2. Collection method: clinical testing. Allele origin: germline. Affected: yes. Observed: 1 variant allele.
Comment: JAK3: PM2, PM3:Supporting